The following is an entry in ClinVar:

NM_000540.3(RYR1):c.3184G>T (p.Val1062Leu)

Gene: RYR1 (ryanodine receptor 1; plus strand). Cytogenetic location: 19q13.2.
Variant type: single nucleotide variant.
Coding change: c.3184G>T on transcript NM_000540.3 (MANE Select); coding-DNA position 3184, G replaced by T.
Protein change: p.Val1062Leu; replaces valine 1062 with leucine.
Molecular consequence: missense variant.
Genome position (GRCh38, 1-based): chr19:38,467,615, G>T. VCF-style: chr19-38467615-G-T. GRCh37 (hg19) VCF-style: chr19-38958255-G-T.
Other names: c.3184G>T, p.Val1062Leu (NM_001042723.2); short protein forms V1062L.
Identifiers: ClinVar variation 3069828 (VCV003069828.2), dbSNP rs2514101138, ClinGen allele CA405636816.

ClinVar aggregate classification (germline): Uncertain significance. Review status: criteria provided, multiple submitters, no conflicts (2 of 4 stars). 2 submissions from 2 submitters: Uncertain significance (2). Last evaluated 2025-06-09.

Conditions:
Malignant hyperthermia, susceptibility to, 1 (MHS1). Also called: RYR1-Related Malignant Hyperthermia Susceptibility; Anesthesia related hyperthermia; Malignant hyperpyrexia; Fulminating hyperpyrexia; Pharmacogenic myopathy; Malignant hyperthermia suceptibility 1. Identifiers: Orphanet 423, MedGen C2930980, MONDO:0007783, OMIM 145600.

Submissions (2):

Color Diagnostics, LLC DBA Color Health
Classification: Uncertain significance for Malignant hyperthermia, susceptibility to, 1. Last evaluated: 2025-06-09. Review status: criteria provided, single submitter. Criteria: ACMG Guidelines, 2015. Collection method: clinical testing. Allele origin: germline.
Comment: This missense variant replaces valine with leucine at codon 1062 of the RYR1 protein. Computational prediction suggests that this variant may not impact protein structure and function. To our knowledge, functional studies have not been reported for this variant. This variant has not been reported in individuals affected with RYR1-related disorders in the literature. This variant has not been identified in the general population by the Genome Aggregation Database (gnomAD). The available evidence is insufficient to determine the role of this variant in disease conclusively. Therefore, this variant is classified as a Variant of Uncertain Significance.

All of Us Research Program, National Institutes of Health
Classification: Uncertain significance for Malignant hyperthermia, susceptibility to, 1. Last evaluated: 2023-03-09. Review status: criteria provided, single submitter. Criteria: ACMG Guidelines, 2015. Collection method: clinical testing. Allele origin: germline. Inheritance: Autosomal dominant inheritance. Observed: 1 variant allele, 1 heterozygote.
Comment: This missense variant replaces valine with leucine at codon 1062 of the RYR1 protein. Computational prediction suggests that this variant may not impact protein structure and function (internally defined REVEL score threshold <= 0.5, PMID: 27666373). To our knowledge, functional studies have not been reported for this variant. This variant has not been reported in individuals affected with RYR1-related disorders in the literature. This variant has not been identified in the general population by the Genome Aggregation Database (gnomAD). The available evidence is insufficient to determine the role of this variant in disease conclusively. Therefore, this variant is classified as a Variant of Uncertain Significance.

This study involves interpretation of variants in research participants for the purpose of population health screening. Participant phenotype was not available at the time of variant classification. Additional details can be found in publication PMID: 35346344, PMCID: PMC8962531